The following is an entry in ClinVar:

ClinVar aggregate classification (germline): Benign/Likely benign. Review status: criteria provided, multiple submitters, no conflicts (2 of 4 stars). 6 submissions from 6 submitters: Benign (3); Likely benign (3). Last evaluated 2026-08-01.

Conditions:
LRP4-related disorder. Also called: LRP4-related condition.
Sclerosteosis 2 (SOST2). Identifiers: Orphanet 3152, MedGen C3280402, MONDO:0013679, OMIM 614305.
Congenital myasthenic syndrome 17. Identifiers: Orphanet 590, MedGen C4225377, MONDO:0014578, OMIM 616304.
Cenani-Lenz syndactyly syndrome. Also called: SYNDACTYLY, TYPE VII; CENANI SYNDACTYLISM. Identifiers: Orphanet 3258, MedGen C1859309, MONDO:0008931, OMIM 212780.

Allele frequency attached by ClinVar (database versions not stated): gnomAD 0.00001 and 0.00042; TOPMed 0.00011; gnomAD exomes 0.00069 and 0.00150; ExAC 0.00183; 1000 Genomes Project 30x 0.00297; 1000 Genomes Project 0.00319.
gnomAD v4.1: 1,083 of 1,614,174 alleles (0.067%); highest among the groups gnomAD compares: South Asian, 1.1%; 20 homozygotes.

Submissions (6):

CeGaT Center for Human Genetics Tuebingen
Classification: Benign. Last evaluated: 2026-08-01. Review status: criteria provided, single submitter. Criteria: CeGaT Center For Human Genetics Tuebingen Variant Classification Criteria Version 2. Collection method: clinical testing. Allele origin: germline. Affected: yes. Observed: 2 variant alleles.
Comment: LRP4: BP4, BS1, BS2

Labcorp Genetics (formerly Invitae), Labcorp
Classification: Benign for Cenani-Lenz syndactyly syndrome; Sclerosteosis 2; Congenital myasthenic syndrome 17. Last evaluated: 2025-12-19. Review status: criteria provided, single submitter. Criteria: Invitae Variant Classification Sherloc (09022015). Collection method: clinical testing. Allele origin: germline.

PreventionGenetics, part of Exact Sciences
Classification: Likely benign for LRP4-related condition. Last evaluated: 2025-07-15. Review status: criteria provided, single submitter. Criteria: ACMG Guidelines, 2015. Collection method: clinical testing. Allele origin: germline.
Comment: This variant is classified as likely benign based on ACMG/AMP sequence variant interpretation guidelines (Richards et al. 2015 PMID: 25741868, with internal and published modifications).

Fulgent Genetics
Classification: Likely benign for Cenani-Lenz syndactyly syndrome; Sclerosteosis 2; Congenital myasthenic syndrome 17. Last evaluated: 2021-08-02. Review status: criteria provided, single submitter. Criteria: ACMG Guidelines, 2015. Collection method: clinical testing. Allele origin: unknown.

GeneDx
Classification: Likely benign. Last evaluated: 2020-12-01. Review status: criteria provided, single submitter. Criteria: GeneDx Variant Classification Process June 2021. Collection method: clinical testing. Allele origin: germline. Affected: yes.

Illumina Laboratory Services, Illumina
Classification: Benign for Cenani-Lenz syndactyly syndrome. Last evaluated: 2018-01-12. Review status: criteria provided, single submitter. Criteria: ICSL Variant Classification Criteria 13 December 2019. Collection method: clinical testing. Allele origin: germline.
Comment: This variant was observed in the ICSL laboratory as part of a predisposition screen in an ostensibly healthy population. It had not been previously curated by ICSL or reported in the Human Gene Mutation Database (HGMD: prior to June 1st, 2018), and was therefore a candidate for classification through an automated scoring system. Utilizing variant allele frequency, disease prevalence and penetrance estimates, and inheritance mode, an automated score was calculated to assess if this variant is too frequent to cause the disease. Based on the score and internal cut-off values, a variant classified as benign is not then subjected to further curation. The score for this variant resulted in a classification of benign for this disease.

NM_002334.4(LRP4):c.1365A>G (p.Pro455=)

Gene: LRP4 (LDL receptor related protein 4; minus strand). Cytogenetic location: 11p11.2.
Variant type: single nucleotide variant.
Coding change: c.1365A>G on transcript NM_002334.4 (MANE Select); coding-DNA position 1365, A replaced by G.
Protein change: p.Pro455=; no amino-acid change (proline 455 retained).
Molecular consequence: synonymous variant.
Genome position (GRCh38, 1-based): chr11:46,894,764, T>C on the plus strand (A>G on the coding strand, the complement: LRP4 is on the minus strand). VCF-style: chr11-46894764-T-C. GRCh37 (hg19) VCF-style: chr11-46916315-T-C.
Identifiers: ClinVar variation 706476 (VCV000706476.26), dbSNP rs143481229, ClinGen allele CA5970164.